The following is an entry in ClinVar:

NM_145261.4(DNAJC19):c.263del (p.Leu87_Leu88insTer)

Gene: DNAJC19 (DnaJ heat shock protein family (Hsp40) member C19; minus strand). Cytogenetic location: 3q26.33.
Variant type: Deletion.
Coding change: c.263del on transcript NM_145261.4 (MANE Select); coding-DNA position 263, one base deleted (T; older notation c.263delT).
Protein change: p.Leu87_Leu88insTer.
Molecular consequence: nonsense. On other transcripts: non-coding transcript variant (4).
Genome position (GRCh38, 1-based): chr3:180,985,943, A deleted on the plus strand (T on the coding strand, the reverse complement: DNAJC19 is on the minus strand); the first of 4 consecutive A bases (chr3:180,985,943-180,985,946); deleting any one gives the same sequence. VCF-style (leftmost placement, unchanged base first): chr3-180985942-TA-T. GRCh37 (hg19) VCF-style: chr3-180703730-TA-T.
Other names: c.188del, p.Leu62_Leu63insTer (NM_001190233.2).
Identifiers: ClinVar variation 3688402 (VCV003688402.2).

ClinVar aggregate classification (germline): Pathogenic (1 of 4 stars; one submission).

Conditions:
3-methylglutaconic aciduria type 5. Also called: MGA, TYPE V; 3 alpha methylglutaconic aciduria type V; MGA 5; CARDIOMYOPATHY, DILATED, WITH ATAXIA. Identifiers: Orphanet 66634, MedGen C1857776, MONDO:0012435, OMIM 610198.

Submission:

Labcorp Genetics (formerly Invitae), Labcorp
Classification: Pathogenic for 3-methylglutaconic aciduria type 5. Last evaluated: 2024-11-28. Review status: criteria provided, single submitter. Criteria: Invitae Variant Classification Sherloc (09022015). Collection method: clinical testing. Allele origin: germline.
Comment: This sequence change creates a premature translational stop signal (p.Leu88*) in the DNAJC19 gene. While this is not anticipated to result in nonsense mediated decay, it is expected to disrupt the last 29 amino acid(s) of the DNAJC19 protein. This variant is not present in population databases (gnomAD no frequency). This variant has not been reported in the literature in individuals affected with DNAJC19-related conditions. This variant disrupts a region of the DNAJC19 protein in which other variant(s) (p.Ala101Profs*10) have been determined to be pathogenic (PMID: 22797137). This suggests that this is a clinically significant region of the protein, and that variants that disrupt it are likely to be disease-causing. For these reasons, this variant has been classified as Pathogenic.

Literature cited by the submitters: PubMed 22797137.